The following is an entry in ClinVar:

ClinVar aggregate classification (germline): Uncertain significance (1 of 4 stars; one submission).

Allele frequency attached by ClinVar (database versions not stated): TOPMed below 0.00001; ExAC 0.00001; gnomAD 0.00001; gnomAD exomes 0.00001.
gnomAD v4.1: 21 of 1,613,686 alleles (0.0013%); highest among the groups gnomAD compares: Non-Finnish European, 0.0018%; no homozygotes.

Submission:

Labcorp Genetics (formerly Invitae), Labcorp
Classification: Uncertain significance. Last evaluated: 2022-11-08. Review status: criteria provided, single submitter. Criteria: Invitae Variant Classification Sherloc (09022015). Collection method: clinical testing. Allele origin: germline.
Comment: In summary, the available evidence is currently insufficient to determine the role of this variant in disease. Therefore, it has been classified as a Variant of Uncertain Significance. Advanced modeling of protein sequence and biophysical properties (such as structural, functional, and spatial information, amino acid conservation, physicochemical variation, residue mobility, and thermodynamic stability) performed at Invitae indicates that this missense variant is not expected to disrupt SLC24A5 protein function. This variant has not been reported in the literature in individuals affected with SLC24A5-related conditions. This variant is present in population databases (rs762918916, gnomAD 0.01%). This sequence change replaces isoleucine, which is neutral and non-polar, with threonine, which is neutral and polar, at codon 385 of the SLC24A5 protein (p.Ile385Thr).

NM_205850.3(SLC24A5):c.1154T>C (p.Ile385Thr)

Genes: MYEF2 (myelin expression factor 2; minus strand), SLC24A5 (solute carrier family 24 member 5; plus strand). Cytogenetic location: 15q21.1.
Variant type: single nucleotide variant.
Coding change: c.1154T>C on transcript NM_205850.3 (MANE Select); coding-DNA position 1154, T replaced by C.
Protein change: p.Ile385Thr; replaces isoleucine 385 with threonine.
Molecular consequence: missense variant. On other transcripts: 3 prime UTR variant (2).
Genome position (GRCh38, 1-based): chr15:48,141,188, T>C. VCF-style: chr15-48141188-T-C. GRCh37 (hg19) VCF-style: chr15-48433385-T-C.
Other names: c.*1720A>G (NM_001301210.2, NM_016132.5); short protein forms I385T.
Identifiers: ClinVar variation 1946706 (VCV001946706.5), dbSNP rs762918916, ClinGen allele CA7546061.